The following is an entry in ClinVar:

ClinVar aggregate classification (germline): Likely benign. Review status: criteria provided, multiple submitters, no conflicts (2 of 4 stars). 2 submissions from 2 submitters: Likely benign (2). Last evaluated 2025-12-14.

Conditions:
Spastic ataxia 2. Also called: Ataxia, spastic, 2, autosomal recessive. Identifiers: Orphanet 397946, MedGen C1969796, MONDO:0012651, OMIM 611302.

Allele frequency attached by ClinVar (database versions not stated): gnomAD exomes 0.00001; ExAC 0.00002; TOPMed 0.00004; gnomAD 0.00006; 1000 Genomes Project 0.00040; 1000 Genomes Project 30x 0.00047.
gnomAD v4.1: 34 of 1,595,718 alleles (0.0021%); highest among the groups gnomAD compares: Middle Eastern, 0.033%; no homozygotes.

Submissions (2):

Labcorp Genetics (formerly Invitae), Labcorp
Classification: Likely benign for Spastic ataxia 2. Last evaluated: 2025-12-14. Review status: criteria provided, single submitter. Criteria: Invitae Variant Classification Sherloc (09022015). Collection method: clinical testing. Allele origin: germline.

CeGaT Center for Human Genetics Tuebingen
Classification: Likely benign. Last evaluated: 2022-09-01. Review status: criteria provided, single submitter. Criteria: CeGaT Center For Human Genetics Tuebingen Variant Classification Criteria Version 2. Collection method: clinical testing. Allele origin: germline. Affected: yes. Observed: 1 variant allele.
Comment: KIF1C: BP4, BP7

NM_006612.6(KIF1C):c.2484G>A (p.Ala828=)

Gene: KIF1C (kinesin family member 1C; plus strand). Cytogenetic location: 17p13.2.
Variant type: single nucleotide variant.
Coding change: c.2484G>A on transcript NM_006612.6 (MANE Select); coding-DNA position 2484, G replaced by A.
Protein change: p.Ala828=; no amino-acid change (alanine 828 retained).
Molecular consequence: synonymous variant.
Genome position (GRCh38, 1-based): chr17:5,022,565, G>A. VCF-style: chr17-5022565-G-A. GRCh37 (hg19) VCF-style: chr17-4925860-G-A.
Identifiers: ClinVar variation 2075864 (VCV002075864.28), dbSNP rs200610749, ClinGen allele CA8319301.